The following is an entry in ClinVar:

ClinVar aggregate classification (germline): Uncertain significance. Review status: criteria provided, multiple submitters, no conflicts (2 of 4 stars). 2 submissions from 2 submitters: Uncertain significance (2). Last evaluated 2026-07-02.

Conditions:
Gastrointestinal stromal tumor. Also called: Gastrointestinal stroma tumor; Gastrointestinal stromal tumor, somatic. Identifiers: Orphanet 44890, MedGen C0238198, MeSH D046152, MONDO:0011719, OMIM 606764, HP:0100723.
Pheochromocytoma/paraganglioma syndrome 3. Also called: GLOMUS TUMORS, FAMILIAL, 3; Paragangliomas 3; SDHC-Related Hereditary Paraganglioma-Pheochromocytoma Syndrome (Paragangliomas 3); SDHC-Related Hereditary Paraganglioma-Pheochromocytoma Syndrome. Identifiers: Orphanet 29072, MedGen C1854336, MONDO:0011544, OMIM 605373.
Hereditary cancer-predisposing syndrome. Also called: Tumor predisposition; Hereditary neoplastic syndrome; Neoplastic Syndromes, Hereditary; Hereditary Cancer Syndrome. Identifiers: Orphanet 140162, MedGen C0027672, MeSH D009386, MONDO:0015356.

Allele frequency attached by ClinVar (database versions not stated): gnomAD 0.00001; TOPMed below 0.00001.
gnomAD v4.1: 1 of 1,613,842 alleles (0.000062%); highest among the groups gnomAD compares: Non-Finnish European, 0.000085%; no homozygotes.

Submissions (2):

Ambry Genetics
Classification: Uncertain significance for Hereditary cancer-predisposing syndrome. Last evaluated: 2026-07-02. Review status: criteria provided, single submitter. Criteria: Ambry Variant Classification Scheme 2023. Collection method: clinical testing. Allele origin: germline.
Comment: The p.N95K variant (also known as c.285C>G), located in coding exon 5 of the SDHC gene, results from a C to G substitution at nucleotide position 285. The asparagine at codon 95 is replaced by lysine, an amino acid with similar properties. This amino acid position is conserved. In addition, the in silico prediction for this alteration is inconclusive. Based on the available evidence, the clinical significance of this variant remains unclear.

Labcorp Genetics (formerly Invitae), Labcorp
Classification: Uncertain significance for Pheochromocytoma/paraganglioma syndrome 3; Gastrointestinal stromal tumor. Last evaluated: 2024-10-13. Review status: criteria provided, single submitter. Criteria: Invitae Variant Classification Sherloc (09022015). Collection method: clinical testing. Allele origin: germline.
Comment: This sequence change replaces asparagine, which is neutral and polar, with lysine, which is basic and polar, at codon 95 of the SDHC protein (p.Asn95Lys). This variant is not present in population databases (gnomAD no frequency). This variant has not been reported in the literature in individuals affected with SDHC-related conditions. ClinVar contains an entry for this variant (Variation ID: 860165). Invitae Evidence Modeling of protein sequence and biophysical properties (such as structural, functional, and spatial information, amino acid conservation, physicochemical variation, residue mobility, and thermodynamic stability) indicates that this missense variant is expected to disrupt SDHC protein function with a positive predictive value of 95%. In summary, the available evidence is currently insufficient to determine the role of this variant in disease. Therefore, it has been classified as a Variant of Uncertain Significance.

NM_003001.5(SDHC):c.285C>G (p.Asn95Lys)

Gene: SDHC (succinate dehydrogenase complex subunit C; plus strand). Cytogenetic location: 1q23.3.
Variant type: single nucleotide variant.
Coding change: c.285C>G on transcript NM_003001.5 (MANE Select); coding-DNA position 285, C replaced by G.
Protein change: p.Asn95Lys; replaces asparagine 95 with lysine.
Molecular consequence: missense variant. On other transcripts: non-coding transcript variant (1), intron variant (3).
Genome position (GRCh38, 1-based): chr1:161,356,720, C>G. VCF-style: chr1-161356720-C-G. GRCh37 (hg19) VCF-style: chr1-161326510-C-G.
Other names: c.183C>G, p.Asn61Lys (NM_001035512.3); c.126C>G, p.Asn42Lys (NM_001035513.3); c.405C>G, p.Asn135Lys (NM_001407115.1); c.228C>G, p.Asn76Lys (NM_001407116.1); c.222C>G, p.Asn74Lys (NM_001407117.1); c.177C>G, p.Asn59Lys (NM_001407118.1); c.174C>G, p.Asn58Lys (NM_001407119.1, NM_001407120.1); c.242-5609C>G (NM_001035511.3); and 2 more; short protein forms N61K, N95K, N42K, N59K, N58K, N76K, N74K, N135K.
Identifiers: ClinVar variation 860165 (VCV000860165.9), dbSNP rs1347081665, ClinGen allele CA343456353.